The following is an entry in ClinVar:

NM_001267550.2(TTN):c.60407_60410dup (p.Ile20138fs)

Genes: TTN (titin; minus strand), TTN-AS1 (TTN antisense RNA 1; plus strand). Cytogenetic location: 2q31.2.
Variant type: Duplication.
Coding change: c.60407_60410dup on transcript NM_001267550.2 (MANE Select); coding-DNA positions 60407 to 60410, 4 bases duplicated (TTAC; older notation c.60407_60410dupTTAC).
Protein change: p.Ile20138fs; shifts the reading frame from isoleucine 20138.
Molecular consequence: frameshift variant.
Genome position (GRCh38, 1-based): chr2:178,591,315-178,591,318, GTAA duplicated on the plus strand (TTAC on the coding strand, the reverse complement: TTN is on the minus strand); duplicating any 4 consecutive bases within chr2:178,591,315-178,591,321 gives the same sequence; the c. name uses the placement nearest the transcript's 3' end. VCF-style (leftmost placement, unchanged base first): chr2-178591314-G-GGTAA. GRCh37 (hg19) VCF-style: chr2-179456041-G-GGTAA.
Other names: c.60407_60410dupTTAC (NM_001267550.2, NM_001267550.1); c.55484_55487dup, p.Ile18497fs (NM_001256850.1); c.33212_33215dup, p.Ile11073fs (NM_003319.4); c.52703_52706dup, p.Ile17570fs (NM_133378.4); c.33587_33590dup, p.Ile11198fs (NM_133432.3); c.33788_33791dup, p.Ile11265fs (NM_133437.4); short protein forms I11073fs, I11198fs, I11265fs, I17570fs, I18497fs, I20138fs.
Identifiers: ClinVar variation 3068659 (VCV003068659.2), dbSNP rs2469472881, ClinGen allele CA1139532840.
Genomic context (GRCh38, chr2:178,591,314, plus strand): 5'-GGCTGCATTGGAAACTGTGATTTGATATTCCCCAGTGTCTCTCCTTAAGCAGTTCTTAAT[G>GGTAA]GTAAGTACTGATGAGAAGTTGTCTGTTTCAACTGTGTAGTGCTCATCGGTTTTAATCTCA-3'

ClinVar aggregate classification (germline): Likely pathogenic. Review status: criteria provided, multiple submitters, no conflicts (2 of 4 stars). 2 submissions from 2 submitters: Likely pathogenic (2). Last evaluated 2023-12-21.

Conditions:
Dilated cardiomyopathy 1G (CMD1G). Identifiers: Orphanet 154, MedGen C1858763, MONDO:0011400, OMIM 604145.
Primary dilated cardiomyopathy (DCM). Also called: Dilated Cardiomyopathy. Identifiers: Orphanet 217604, MedGen C0007193, MeSH D002311, MONDO:0005021, HP:0001644. Inheritance: Various modes of inheritance.

Submissions (2):

Victorian Clinical Genetics Services, Murdoch Childrens Research Institute
Classification: Likely pathogenic for Dilated cardiomyopathy 1G. Last evaluated: 2023-12-21. Review status: criteria provided, single submitter. Criteria: ACMG Guidelines, 2015. Collection method: clinical testing. Allele origin: germline. Inheritance: Autosomal dominant inheritance.
Comment: Based on the classification scheme VCGS_Germline_v1.3.4, this variant is classified as Likely pathogenic. Following criteria are met: 0102 - Loss of function is known mechanism of disease in this gene. In addition, dominant-negative is also a suggested mechanism. (PMID: 25589632). (I) 0108 - This gene is associated with both recessive and dominant disease (OMIM). (I) 0112 - The condition associated with this gene has incomplete penetrance. Variants in this gene that result in a premature termination codon (PTC) are known to have reduced penetrance in DCM (PMID: 25589632). (I) 0201 - Variant is predicted to cause nonsense-mediated decay (NMD) and loss of protein (premature termination codon is located at least 54 nucleotides upstream of the final exon-exon junction). (SP) 0251 - This variant is heterozygous. (I) 0301 - Variant is absent from gnomAD (both v2 and v3). (SP) 0600 - Variant is located in the annotated A-band and the exon has a PSI score of 100 (PMID: 25589632). (I) 0702 - Other NMD-predicted variants comparable to the one identified in this case have strong previous evidence for pathogenicity (ClinVar). (SP) 0807 - This variant has no previous evidence of pathogenicity. (I) 0905 - No published segregation evidence has been identified for this variant. (I) 1007 - No published functional evidence has been identified for this variant. (I) 1208 - Inheritance information for this variant is not currently available in this individual. (I) Legend: (SP) - Supporting pathogenic, (I) - Information, (SB) - Supporting benign

Molecular Genetics, Royal Melbourne Hospital
Classification: Likely pathogenic for Primary dilated cardiomyopathy. Last evaluated: 2023-08-01. Review status: criteria provided, single submitter. Criteria: ACMG Guidelines, 2015. Collection method: clinical testing. Allele origin: germline. Inheritance: Autosomal dominant inheritance. Affected: yes.
Comment: This sequence change in TTN is a frameshift variant predicted to cause a premature stop codon, p.(Ile20138Tyrfs*3), in constitutively expressed exon 304 (percentage splice in, PSI, 100%) in the A-band. High PSI truncating variants in TTN have a significant association with dilated cardiomyopathy (PMID: 31216868). This variant is absent from the population database gnomAD v2.1 and v3.1. To our knowledge, this variant has not been previously reported in the relevant scientific literature. Based on the classification scheme RMH Modified ACMG/AMP Guidelines v1.6.1, this variant is classified as LIKELY PATHOGENIC. Following criteria are met: PVS1, PM2_Supporting.

Literature cited by the submitters: PubMed 25589632 (cited by Victorian Clinical Genetics Services, Murdoch Childrens Research Institute); PubMed 31216868 (cited by Molecular Genetics, Royal Melbourne Hospital).